The following is an entry in ClinVar:

NM_001385641.1(SAMD11):c.1781C>T (p.Ala594Val)

Gene: SAMD11 (sterile alpha motif domain containing 11; plus strand). Cytogenetic location: 1p36.33.
Variant type: single nucleotide variant.
Coding change: c.1781C>T on transcript NM_001385641.1 (MANE Select); coding-DNA position 1781, C replaced by T.
Protein change: p.Ala594Val; replaces alanine 594 with valine.
Molecular consequence: missense variant.
Genome position (GRCh38, 1-based): chr1:942,786, C>T. VCF-style: chr1-942786-C-T. GRCh37 (hg19) VCF-style: chr1-878166-C-T.
Other names: c.1784C>T, p.Ala595Val (NM_001385640.1); c.1292C>T, p.Ala431Val (NM_152486.4); short protein forms A431V, A595V, A594V.
Identifiers: ClinVar variation 2826858 (VCV002826858.3), dbSNP rs766053074, ClinGen allele CA502993.

ClinVar aggregate classification (germline): Uncertain significance (1 of 4 stars; one submission).

gnomAD v4.1: 17 of 1,538,232 alleles (0.0011%); highest among the groups gnomAD compares: East Asian, 0.0025%; no homozygotes.

Submission:

Labcorp Genetics (formerly Invitae), Labcorp
Classification: Uncertain significance. Last evaluated: 2025-06-24. Review status: criteria provided, single submitter. Criteria: Invitae Variant Classification Sherloc (09022015). Collection method: clinical testing. Allele origin: germline.
Comment: This sequence change replaces alanine, which is neutral and non-polar, with valine, which is neutral and non-polar, at codon 431 of the SAMD11 protein (p.Ala431Val). This variant is not present in population databases (gnomAD no frequency). This variant has not been reported in the literature in individuals affected with SAMD11-related conditions. ClinVar contains an entry for this variant (Variation ID: 2826858). An algorithm developed to predict the effect of missense changes on protein structure and function outputs the following: PolyPhen-2: "Benign". The valine amino acid residue is found in multiple mammalian species, which suggests that this missense change does not adversely affect protein function. In summary, the available evidence is currently insufficient to determine the role of this variant in disease. Therefore, it has been classified as a Variant of Uncertain Significance.